The following is an entry in ClinVar:

NM_007294.4(BRCA1):c.5278-19T>G

Gene: BRCA1 (BRCA1 DNA repair associated; minus strand). Cytogenetic location: 17q21.31.
Variant type: single nucleotide variant.
Coding change: c.5278-19T>G on transcript NM_007294.4 (MANE Select); 19 bases into the intron before coding-DNA position 5278, T replaced by G.
Molecular consequence: intron variant.
Genome position (GRCh38, 1-based): chr17:43,051,136, A>C on the plus strand (T>G on the coding strand, the complement: BRCA1 is on the minus strand). VCF-style: chr17-43051136-A-C. GRCh37 (hg19) VCF-style: chr17-41203153-A-C.
Other names: c.1825-19T>G (NM_001408458.1, NM_001408461.1, NM_001408464.1 and 7 more transcripts); c.4387-19T>G (NM_001407967.1); c.4897-19T>G (NM_001407959.1); c.5011-19T>G (NM_001407931.1, NM_001407932.1, NM_001407928.1 and 4 more transcripts); c.5134-19T>G (NM_001407747.1, NM_001407745.1, NM_001407737.1 and 21 more transcripts); c.4894-19T>G (NM_001407962.1, NM_001407960.1); c.1465-19T>G (NM_001408512.1); c.1588-19T>G (NM_001408510.1); and 74 more.
Identifiers: ClinVar variation 865245 (VCV000865245.3), dbSNP rs1597804604, ClinGen allele CA916081095.

Conditions:
Breast-ovarian cancer, familial, susceptibility to, 1 (BROVCA1). Also called: BRCA1 Hereditary Breast and Ovarian Cancer; OVARIAN CANCER, SUSCEPTIBILITY TO. Identifiers: Orphanet 145, MedGen C2676676, MONDO:0011450, OMIM 604370. Disease mechanism: loss of function.

Submission:

Brotman Baty Institute, University of Washington
No classification provided (evidence only). Condition: Breast-ovarian cancer, familial 1. Review status: no classification provided. Collection method: in vitro. Allele origin: not applicable. Functional consequence: functionally_normal.
ClinVar note: "not provided" was previously submitted as the classification for the variant. However, the classification appeared to be based only on an observation of functional data so it was converted to no classification on 2025-07-30.